The following is an entry in ClinVar:

ClinVar aggregate classification (germline): Pathogenic (1 of 4 stars; one submission).

Conditions:
Developmental and epileptic encephalopathy. Identifiers: MedGen C5779964, MONDO:0100620.

Submission:

Labcorp Genetics (formerly Invitae), Labcorp
Classification: Pathogenic for Early-infantile DEE. Last evaluated: 2020-06-22. Review status: criteria provided, single submitter. Criteria: Invitae Variant Classification Sherloc (09022015). Collection method: clinical testing. Allele origin: germline.
Comment: This sequence change creates a premature translational stop signal (p.Arg1402Glufs*10) in the SCN1A gene. It is expected to result in an absent or disrupted protein product. This variant is not present in population databases (ExAC no frequency). This variant has not been reported in the literature in individuals with SCN1A-related conditions. Loss-of-function variants in SCN1A are known to be pathogenic (PMID: 17347258, 18930999). For these reasons, this variant has been classified as Pathogenic.

Literature cited by the submitters: PubMed 17347258; PubMed 18930999.

NM_001165963.4(SCN1A):c.4204del (p.Arg1402fs)

Genes: SCN1A (sodium voltage-gated channel alpha subunit 1; minus strand), LOC102724058 (uncharacterized LOC102724058; plus strand). Cytogenetic location: 2q24.3.
Variant type: Deletion.
Coding change: c.4204del on transcript NM_001165963.4 (MANE Select); coding-DNA position 4204, one base deleted (A; older notation c.4204delA).
Protein change: p.Arg1402fs; shifts the reading frame from arginine 1402.
Molecular consequence: frameshift variant. On other transcripts: non-coding transcript variant (1).
Genome position (GRCh38, 1-based): chr2:166,002,552, T deleted on the plus strand (A on the coding strand, the reverse complement: SCN1A is on the minus strand); the first of 3 consecutive T bases (chr2:166,002,552-166,002,554); deleting any one gives the same sequence. VCF-style (leftmost placement, unchanged base first): chr2-166002551-CT-C. GRCh37 (hg19) VCF-style: chr2-166859061-CT-C.
Other names: c.4120del, p.Arg1374fs (NM_001165964.3, NM_001353957.2, NM_001353958.2); c.4204del, p.Arg1402fs (NM_001202435.3, NM_001353948.2); c.4171del, p.Arg1391fs (NM_001353949.2, NM_001353950.2, NM_001353951.2 and 2 more transcripts); c.4168del, p.Arg1390fs (NM_001353954.2, NM_001353955.2); c.4117del, p.Arg1373fs (NM_001353960.2); c.1762del, p.Arg588fs (NM_001353961.2); short protein forms R1373fs, R1374fs, R1390fs, R1391fs, R1402fs, R588fs.
Identifiers: ClinVar variation 1073820 (VCV001073820.3), dbSNP rs2105508454, ClinGen allele CA2499215190.
Genomic context (GRCh38, chr2:166,002,551, plus strand): 5'-TACCCAAATCCTACATTATCAAAGTTTACTTTCACATTTTTCCATCGAGCAGTCTCATTT[CT>C]TTCTATTAGTTTTAGGCAATCAGTATGATTATTCACGTCTTCGATGTCAAACCTGTCACC-3'